The following is an entry in ClinVar:

ClinVar aggregate classification (germline): Pathogenic (1 of 4 stars; one submission).

Conditions:
Danon disease. Also called: ANTOPOL DISEASE; PSEUDOGLYCOGENOSIS II; GSD IIb; LYSOSOMAL GLYCOGEN STORAGE DISEASE WITHOUT ACID MALTASE DEFICIENCY; Glycogen Storage Disease Type IIb. Identifiers: Orphanet 34587, MedGen C0878677, MONDO:0010281, OMIM 300257.

Submission:

Labcorp Genetics (formerly Invitae), Labcorp
Classification: Pathogenic for Danon disease. Last evaluated: 2016-10-03. Review status: criteria provided, single submitter. Criteria: Invitae Variant Classification Sherloc (09022015). Collection method: clinical testing. Allele origin: germline.
Comment: For these reasons, this variant has been classified as Pathogenic. While this particular variant has not been reported in the literature, loss-of-function variants in LAMP2 are known to be pathogenic (PMID: 21415759). This sequence change deletes 1 nucleotide from exon 6 of the LAMP2 mRNA (c.788delG), causing a frameshift at codon 263. This creates a premature translational stop signal (p.Gly263Alafs*20) and is expected to result in an absent or disrupted protein product.

Literature cited by the submitters: PubMed 21415759.

NM_002294.3(LAMP2):c.788del (p.Gly263fs)

Gene: LAMP2 (lysosome associated membrane protein 2; minus strand). Cytogenetic location: Xq24.
Variant type: Deletion.
Coding change: c.788del on transcript NM_002294.3 (MANE Select); coding-DNA position 788, one base deleted (G; older notation c.788delG).
Protein change: p.Gly263fs; shifts the reading frame from glycine 263.
Molecular consequence: frameshift variant.
Genome position (GRCh38, 1-based): chrX:120,446,381, C deleted on the plus strand (G on the coding strand, the reverse complement: LAMP2 is on the minus strand); the first of 2 consecutive C bases (chrX:120,446,381-120,446,382); deleting either gives the same sequence. VCF-style (leftmost placement, unchanged base first): chrX-120446380-GC-G. GRCh37 (hg19) VCF-style: chrX-119580235-GC-G.
Other names: c.788delG (NM_002294.2); c.788del, p.Gly263fs (NM_001122606.1, NM_013995.2); short protein forms G263fs.
Identifiers: ClinVar variation 409222 (VCV000409222.6), dbSNP rs1060502303, ClinGen allele CA16616431.